The following is an entry in ClinVar:

ClinVar aggregate classification (germline): Conflicting classifications of pathogenicity. Review status: criteria provided, conflicting classifications (1 of 4 stars). 3 submissions from 3 submitters: Uncertain significance (2); Benign (1). Last evaluated 2025-11-14.

Conditions:
Hereditary cancer-predisposing syndrome. Also called: Neoplastic Syndromes, Hereditary; Tumor predisposition; Hereditary Cancer Syndrome; Hereditary neoplastic syndrome. Identifiers: Orphanet 140162, MedGen C0027672, MeSH D009386, MONDO:0015356.
Gorlin syndrome. Also called: Nevoid Basal Cell Carcinoma Syndrome; Basal cell nevus syndrome. Identifiers: Orphanet 377, MedGen C0004779, MONDO:0007187.

Allele frequency attached by ClinVar (database versions not stated): gnomAD exomes below 0.00001; gnomAD 0.00001.
gnomAD v4.1: 5 of 1,613,876 alleles (0.00031%); highest among the groups gnomAD compares: Middle Eastern, 0.016%; no homozygotes.

Submissions (3):

Labcorp Genetics (formerly Invitae), Labcorp
Classification: Benign for Gorlin syndrome. Last evaluated: 2025-11-14. Review status: criteria provided, single submitter. Criteria: Invitae Variant Classification Sherloc (09022015). Collection method: clinical testing. Allele origin: germline.

Ambry Genetics
Classification: Uncertain significance for Hereditary cancer-predisposing syndrome. Last evaluated: 2025-02-04. Review status: criteria provided, single submitter. Criteria: Ambry Variant Classification Scheme 2023. Collection method: clinical testing. Allele origin: germline.
Comment: The p.R682H variant (also known as c.2045G>A), located in coding exon 14 of the PTCH1 gene, results from a G to A substitution at nucleotide position 2045. The arginine at codon 682 is replaced by histidine, an amino acid with highly similar properties. This amino acid position is well conserved in available vertebrate species. In addition, this alteration is predicted to be tolerated by in silico analysis. Based on the available evidence, the clinical significance of this variant remains unclear.

Revvity Omics, Revvity
Classification: Uncertain significance. Last evaluated: 2021-10-08. Review status: criteria provided, single submitter. Criteria: ACMG Guidelines, 2015. Collection method: clinical testing. Allele origin: germline.

NM_000264.5(PTCH1):c.2045G>A (p.Arg682His)

Genes: PTCH1 (patched 1; minus strand), LOC100507346 (uncharacterized LOC100507346; plus strand). Cytogenetic location: 9q22.32.
Variant type: single nucleotide variant.
Coding change: c.2045G>A on transcript NM_000264.5 (MANE Select); coding-DNA position 2045, G replaced by A.
Protein change: p.Arg682His; replaces arginine 682 with histidine.
Molecular consequence: missense variant. On other transcripts: non-coding transcript variant (2).
Genome position (GRCh38, 1-based): chr9:95,468,956, C>T on the plus strand (G>A on the coding strand, the complement: PTCH1 is on the minus strand). VCF-style: chr9-95468956-C-T. GRCh37 (hg19) VCF-style: chr9-98231238-C-T.
Other names: c.1592G>A, p.Arg531His (NM_001083606.3, NM_001083607.3, NM_001083604.3 and 1 more transcripts); c.1889G>A, p.Arg630His (NM_001354918.2); c.1847G>A, p.Arg616His (NM_001083602.3); c.2042G>A, p.Arg681His (NM_001083603.3); short protein forms R616H, R682H, R531H, R630H, R681H.
Identifiers: ClinVar variation 524535 (VCV000524535.12), dbSNP rs1366288601, ClinGen allele CA374115772.